The following is an entry in ClinVar:

NM_000890.5(KCNJ5):c.947G>A (p.Cys316Tyr)

Gene: KCNJ5 (potassium inwardly rectifying channel subfamily J member 5; plus strand). Cytogenetic location: 11q24.3.
Variant type: single nucleotide variant.
Coding change: c.947G>A on transcript NM_000890.5 (MANE Select); coding-DNA position 947, G replaced by A.
Protein change: p.Cys316Tyr; replaces cysteine 316 with tyrosine.
Molecular consequence: missense variant.
Genome position (GRCh38, 1-based): chr11:128,916,418, G>A. VCF-style: chr11-128916418-G-A. GRCh37 (hg19) VCF-style: chr11-128786313-G-A.
Other names: c.947G>A, p.Cys316Tyr (NM_001354169.2); short protein forms C316Y.
Identifiers: ClinVar variation 3607799 (VCV003607799.2).
Genomic context (GRCh38, chr11:128,916,418, plus strand): 5'-ATAGATGGATGGATGATTGCATCATAATGCATGTAACTTCCGTTTCCCCAGGCATGACCT[G>A]CCAAGCCCGGAGCTCCTACATGGATACAGAGGTGCTCTGGGGCCACCGATTCACACCAGT-3'
Protein context (NP_000881.3, residues 306-326): EGMVEATGMT[Cys316Tyr]QARSSYMDTE

ClinVar aggregate classification (germline): Uncertain significance (1 of 4 stars; one submission).

Conditions:
Long QT syndrome (LQTS). Identifiers: MedGen C0023976, MeSH D008133, MONDO:0002442. Disease mechanism: loss of function. Inheritance: Various modes of inheritance.

Submission:

Labcorp Genetics (formerly Invitae), Labcorp
Classification: Uncertain significance for Long QT syndrome. Last evaluated: 2024-09-30. Review status: criteria provided, single submitter. Criteria: Invitae Variant Classification Sherloc (09022015). Collection method: clinical testing. Allele origin: germline.
Comment: This sequence change replaces cysteine, which is neutral and slightly polar, with tyrosine, which is neutral and polar, at codon 316 of the KCNJ5 protein (p.Cys316Tyr). This variant is not present in population databases (gnomAD no frequency). This variant has not been reported in the literature in individuals affected with KCNJ5-related conditions. Invitae Evidence Modeling of protein sequence and biophysical properties (such as structural, functional, and spatial information, amino acid conservation, physicochemical variation, residue mobility, and thermodynamic stability) indicates that this missense variant is expected to disrupt KCNJ5 protein function with a positive predictive value of 80%. In summary, the available evidence is currently insufficient to determine the role of this variant in disease. Therefore, it has been classified as a Variant of Uncertain Significance.